The following is an entry in ClinVar:

ClinVar aggregate classification (germline): Pathogenic (1 of 4 stars; one submission).

Submission:

Labcorp Genetics (formerly Invitae), Labcorp
Classification: Pathogenic. Last evaluated: 2023-01-11. Review status: criteria provided, single submitter. Criteria: Invitae Variant Classification Sherloc (09022015). Collection method: clinical testing. Allele origin: unknown.
Comment: This variant has not been reported in the literature in individuals affected with DOCK8-related conditions. For these reasons, this variant has been classified as Pathogenic. This variant is a gross deletion of the genomic region encompassing exon(s) 1-6 of the DOCK8 gene, which includes the initiator codon. This deletion extends beyond the assayed region for this gene and therefore may encompass additional genes. It is expected to result in an absent or disrupted protein product. Loss-of-function variants in DOCK8 are known to be pathogenic (PMID: 14722525, 19776401).

Literature cited by the submitters: PubMed 14722525; PubMed 19776401.

NC_000009.11:g.(?_214977)_(312186_?)del

Genes: DOCK8 (dedicator of cytokinesis 8; plus strand), DOCK8-AS1 (DOCK8 antisense RNA 1; minus strand). Cytogenetic location: 9p24.3.
Variant type: Deletion.
Identifiers: ClinVar variation 3245207 (VCV003245207.1).